The following is an entry in ClinVar:

ClinVar aggregate classification (germline): Benign/Likely benign. Review status: criteria provided, multiple submitters, no conflicts (2 of 4 stars). 9 submissions from 9 submitters: Benign (3); Likely benign (1). 5 of the submissions do not count toward it. Last evaluated 2026-02-01.

Conditions:
Arrhythmogenic right ventricular dysplasia 13. Also called: Arrhythmogenic right ventricular dysplasia, familial, 13; ARRHYTHMOGENIC RIGHT VENTRICULAR CARDIOMYOPATHY 13. Identifiers: MedGen C3810138, MONDO:0000908, OMIM 615616.
CTNNA3-related disorder. Also called: CTNNA3-related condition.

Allele frequency attached by ClinVar (database versions not stated): ExAC 0.00772; gnomAD 0.02389; TOPMed 0.02659; 1000 Genomes Project 0.02716; 1000 Genomes Project 30x 0.02764; ESP Exome Variant Server 0.02906.

Submissions (9):

Labcorp Genetics (formerly Invitae), Labcorp
Classification: Benign for Arrhythmogenic right ventricular dysplasia 13. Last evaluated: 2026-02-01. Review status: criteria provided, single submitter. Criteria: Invitae Variant Classification Sherloc (09022015). Collection method: clinical testing. Allele origin: germline.

Women's Health and Genetics/Laboratory Corporation of America, LabCorp
Classification: Likely benign. Last evaluated: 2023-07-29. Review status: criteria provided, single submitter. Criteria: LabCorp Variant Classification Summary - May 2015. Collection method: clinical testing. Allele origin: germline.

GeneDx
Classification: Benign. Last evaluated: 2018-09-18. Review status: criteria provided, single submitter. Criteria: GeneDx Variant Classification Process June 2021. Collection method: clinical testing. Allele origin: germline. Affected: yes.

Breakthrough Genomics
Classification: Benign. Review status: criteria provided, single submitter. Criteria: ACMG Guidelines, 2015. Collection method: not provided. Allele origin: germline. Inheritance: Autosomal dominant inheritance. Affected: yes.

PreventionGenetics, part of Exact Sciences
Classification: Benign for CTNNA3-related condition. Last evaluated: 2019-07-01. Review status: no assertion criteria provided. Collection method: clinical testing. Allele origin: germline. Not counted in ClinVar's aggregate classification.
Comment: This variant is classified as benign based on ACMG/AMP sequence variant interpretation guidelines (Richards et al. 2015 PMID: 25741868, with internal and published modifications).

Clinical Genetics DNA and cytogenetics Diagnostics Lab, Erasmus MC, Erasmus Medical Center
Classification: Benign. Review status: no assertion criteria provided. Collection method: clinical testing. Allele origin: germline. Affected: yes. Study: VKGL Data-share Consensus. Not counted in ClinVar's aggregate classification.

Clinical Genetics, Academic Medical Center
Classification: Benign. Review status: no assertion criteria provided. Collection method: clinical testing. Allele origin: germline. Affected: yes. Study: VKGL Data-share Consensus. Not counted in ClinVar's aggregate classification.

Genome Diagnostics Laboratory, University Medical Center Utrecht
Classification: Benign. Review status: no assertion criteria provided. Collection method: clinical testing. Allele origin: germline. Affected: yes. Study: VKGL Data-share Consensus. Not counted in ClinVar's aggregate classification.

Joint Genome Diagnostic Labs from Nijmegen and Maastricht, Radboudumc and MUMC+
Classification: Benign. Review status: no assertion criteria provided. Collection method: clinical testing. Allele origin: germline. Affected: yes. Study: VKGL Data-share Consensus. Not counted in ClinVar's aggregate classification.

NM_013266.4(CTNNA3):c.1655C>T (p.Thr552Met)

Gene: CTNNA3 (catenin alpha 3; minus strand). Cytogenetic location: 10q21.3.
Variant type: single nucleotide variant.
Coding change: c.1655C>T on transcript NM_013266.4 (MANE Select); coding-DNA position 1655, C replaced by T.
Protein change: p.Thr552Met; replaces threonine 552 with methionine.
Molecular consequence: missense variant.
Genome position (GRCh38, 1-based): chr10:66,379,229, G>A on the plus strand (C>T on the coding strand, the complement: CTNNA3 is on the minus strand). VCF-style: chr10-66379229-G-A. GRCh37 (hg19) VCF-style: chr10-68138987-G-A.
Other names: c.1655C>T, p.Thr552Met (NM_001127384.3); short protein forms T552M.
Identifiers: ClinVar variation 415374 (VCV000415374.21), dbSNP rs61737718, ClinGen allele CA5519868.